The following is an entry in ClinVar:

ClinVar aggregate classification (germline): Pathogenic (1 of 4 stars; one submission).

Submission:

Labcorp Genetics (formerly Invitae), Labcorp
Classification: Pathogenic. Last evaluated: 2024-08-13. Review status: criteria provided, single submitter. Criteria: Invitae Variant Classification Sherloc (09022015). Collection method: clinical testing. Allele origin: germline.
Comment: The MOCS2 gene encodes two different proteins, MOCS2A and MOCS2B, which are translated from alternative transcripts that have different open reading frames. This sequence change creates a premature translational stop signal (p.Pro83Trpfs*24) in the MOCS2A gene and c.60_70del (p.Pro21Glyfs*3) in the MOCS2B gene. It is expected to result in an absent or disrupted protein product. Loss-of-function variants in MOCS2A and MOCS2B are known to be pathogenic (PMID: 21031595). This variant is not present in population databases (gnomAD no frequency). This variant has not been reported in the literature in individuals affected with MOCS2A-related conditions. ClinVar contains an entry for this variant (Variation ID: 2021553). For these reasons, this variant has been classified as Pathogenic. The evidence indicates that this variant confers risk of developing MOCS2-associated conditions.

Literature cited by the submitters: PubMed 21031595.

NM_004531.5(MOCS2):c.60_70del (p.Pro21fs)

Gene: MOCS2 (molybdenum cofactor synthesis 2; minus strand). Cytogenetic location: 5q11.2.
Variant type: Deletion.
Coding change: c.60_70del on transcript NM_004531.5 (MANE Select); coding-DNA positions 60 to 70, 11 bases deleted (CCCCCCATTAG).
Protein change: p.Pro21fs; shifts the reading frame from proline 21.
Molecular consequence: frameshift variant.
Genome position (GRCh38, 1-based): chr5:53,107,105-53,107,115, CTAATGGGGGG deleted on the plus strand (CCCCCCATTAG on the coding strand, the reverse complement: MOCS2 is on the minus strand). VCF-style (leftmost placement, unchanged base first): chr5-53107104-ACTAATGGGGGG-A. GRCh37 (hg19) VCF-style: chr5-52402934-ACTAATGGGGGG-A.
Other names: c.247_257del, p.Pro83fs (NM_176806.4); c.60_70delCCCCCCATTAG, p.Pro21Glyfs (NM_183418.1); short protein forms P21fs, P83fs.
Identifiers: ClinVar variation 2021553 (VCV002021553.4), dbSNP rs2478613115, ClinGen allele CA2580073314.